The following is an entry in ClinVar:

NM_001267550.2(TTN):c.92765C>T (p.Ala30922Val)

Genes: TTN (titin; minus strand), TTN-AS1 (TTN antisense RNA 1; plus strand). Cytogenetic location: 2q31.2.
Variant type: single nucleotide variant.
Coding change: c.92765C>T on transcript NM_001267550.2 (MANE Select); coding-DNA position 92765, C replaced by T.
Protein change: p.Ala30922Val; replaces alanine 30922 with valine.
Molecular consequence: missense variant.
Genome position (GRCh38, 1-based): chr2:178,548,861, G>A on the plus strand (C>T on the coding strand, the complement: TTN is on the minus strand). VCF-style: chr2-178548861-G-A. GRCh37 (hg19) VCF-style: chr2-179413588-G-A.
Other names: c.87842C>T, p.Ala29281Val (NM_001256850.1); c.65570C>T, p.Ala21857Val (NM_003319.4); c.85061C>T, p.Ala28354Val (NM_133378.4); c.65945C>T, p.Ala21982Val (NM_133432.3); c.66146C>T, p.Ala22049Val (NM_133437.4); short protein forms A29281V, A30922V, A22049V, A21857V, A28354V, A21982V.
Identifiers: ClinVar variation 515539 (VCV000515539.8), dbSNP rs756786292, ClinGen allele CA1987407.

ClinVar aggregate classification (germline): Uncertain significance. Review status: criteria provided, multiple submitters, no conflicts (2 of 4 stars). 3 submissions from 3 submitters: Uncertain significance (3). Last evaluated 2021-03-22.

Conditions:
Autosomal recessive limb-girdle muscular dystrophy type 2J (LGMDR10). Also called: MUSCULAR DYSTROPHY, LIMB-GIRDLE, AUTOSOMAL RECESSIVE 10; Limb-girdle muscular dystrophy, type 2J. Identifiers: Orphanet 140922, MedGen C1837342, MONDO:0012127, OMIM 608807.
Dilated cardiomyopathy 1G (CMD1G). Identifiers: Orphanet 154, MedGen C1858763, MONDO:0011400, OMIM 604145.

Allele frequency attached by ClinVar (database versions not stated): gnomAD exomes 0.00001; ExAC 0.00002; TOPMed 0.00002; gnomAD 0.00003.
gnomAD v4.1: 18 of 1,613,412 alleles (0.0011%); highest among the groups gnomAD compares: Admixed American, 0.0017%; no homozygotes.

Submissions (3):

Revvity Omics, Revvity
Classification: Uncertain significance. Last evaluated: 2021-03-22. Review status: criteria provided, single submitter. Criteria: ACMG Guidelines, 2015. Collection method: clinical testing. Allele origin: germline.

GeneDx
Classification: Uncertain significance. Last evaluated: 2020-10-19. Review status: criteria provided, single submitter. Criteria: GeneDx Variant Classification Process June 2021. Collection method: clinical testing. Allele origin: germline. Affected: yes.
Comment: Not observed at a significant frequency in large population cohorts (Lek et al., 2016); Missense variant in a gene in which most reported pathogenic variants are truncating/loss-of-function; Has not been previously published as pathogenic or benign to our knowledge

Labcorp Genetics (formerly Invitae), Labcorp
Classification: Uncertain significance for Dilated cardiomyopathy 1G; Autosomal recessive limb-girdle muscular dystrophy type 2J. Last evaluated: 2017-11-08. Review status: criteria provided, single submitter. Criteria: Invitae Variant Classification Sherloc (09022015). Collection method: clinical testing. Allele origin: germline.